The following is an entry in ClinVar:

ClinVar aggregate classification (germline): Uncertain significance (1 of 4 stars; one submission).

Conditions:
Tuberous sclerosis 2 (TSC2). Identifiers: Orphanet 805, MedGen C1860707, MONDO:0013199, OMIM 613254.

Submission:

Labcorp Genetics (formerly Invitae), Labcorp
Classification: Uncertain significance for Tuberous sclerosis 2. Last evaluated: 2025-04-14. Review status: criteria provided, single submitter. Criteria: Invitae Variant Classification Sherloc (09022015). Collection method: clinical testing. Allele origin: germline.
Comment: This sequence change replaces proline, which is neutral and non-polar, with arginine, which is basic and polar, at codon 1314 of the TSC2 protein (p.Pro1314Arg). This variant is not present in population databases (gnomAD no frequency). This variant has not been reported in the literature in individuals affected with TSC2-related conditions. Invitae Evidence Modeling of protein sequence and biophysical properties (such as structural, functional, and spatial information, amino acid conservation, physicochemical variation, residue mobility, and thermodynamic stability) indicates that this missense variant is not expected to disrupt TSC2 protein function with a negative predictive value of 95%. In summary, the available evidence is currently insufficient to determine the role of this variant in disease. Therefore, it has been classified as a Variant of Uncertain Significance.

NM_000548.5(TSC2):c.3941C>G (p.Pro1314Arg)

Gene: TSC2 (TSC complex subunit 2; plus strand). Cytogenetic location: 16p13.3.
Variant type: single nucleotide variant.
Coding change: c.3941C>G on transcript NM_000548.5 (MANE Select); coding-DNA position 3941, C replaced by G.
Protein change: p.Pro1314Arg; replaces proline 1314 with arginine.
Molecular consequence: missense variant. On other transcripts: non-coding transcript variant (5).
Genome position (GRCh38, 1-based): chr16:2,083,752, C>G. VCF-style: chr16-2083752-C-G. GRCh37 (hg19) VCF-style: chr16-2133753-C-G.
Other names: c.3740C>G, p.Pro1247Arg (NM_001077183.3); c.3872C>G, p.Pro1291Arg (NM_001114382.3); c.3632C>G, p.Pro1211Arg (NM_001318827.2); c.3596C>G, p.Pro1199Arg (NM_001318829.2); c.3209C>G, p.Pro1070Arg (NM_001318831.2); c.3773C>G, p.Pro1258Arg (NM_001318832.2); c.3743C>G, p.Pro1248Arg (NM_001363528.2); c.3809C>G, p.Pro1270Arg (NM_001370404.1); and 26 more; short protein forms P1047R, P1048R, P1070R, P1090R, P1091R, P1094R, P1114R, P1198R.
Identifiers: ClinVar variation 4802878 (VCV004802878.1).